The following is an entry in ClinVar:

NM_201550.4(LRRC10):c.733C>T (p.Pro245Ser)

Gene: LRRC10 (leucine rich repeat containing 10; minus strand). Cytogenetic location: 12q15.
Variant type: single nucleotide variant.
Coding change: c.733C>T on transcript NM_201550.4 (MANE Select); coding-DNA position 733, C replaced by T.
Protein change: p.Pro245Ser; replaces proline 245 with serine.
Molecular consequence: missense variant.
Genome position (GRCh38, 1-based): chr12:69,610,106, G>A on the plus strand (C>T on the coding strand, the complement: LRRC10 is on the minus strand). VCF-style: chr12-69610106-G-A. GRCh37 (hg19) VCF-style: chr12-70003886-G-A.
Other names: c.733C>T (NM_201550.2); short protein forms P245S.
Identifiers: ClinVar variation 1983750 (VCV001983750.5), dbSNP rs1477922050, ClinGen allele CA385735464.

ClinVar aggregate classification (germline): Uncertain significance. Review status: criteria provided, multiple submitters, no conflicts (2 of 4 stars). 2 submissions from 2 submitters: Uncertain significance (2). Last evaluated 2025-11-09.

Allele frequency attached by ClinVar (database versions not stated): gnomAD exomes 0.00001; TOPMed 0.00003; gnomAD 0.00002.

Submissions (2):

Labcorp Genetics (formerly Invitae), Labcorp
Classification: Uncertain significance. Last evaluated: 2025-11-09. Review status: criteria provided, single submitter. Criteria: Invitae Variant Classification Sherloc (09022015). Collection method: clinical testing. Allele origin: germline.
Comment: This sequence change replaces proline, which is neutral and non-polar, with serine, which is neutral and polar, at codon 245 of the LRRC10 protein (p.Pro245Ser). This variant is present in population databases (no rsID available, gnomAD 0.003%). This variant has not been reported in the literature in individuals affected with LRRC10-related conditions. ClinVar contains an entry for this variant (Variation ID: 1983750). An algorithm developed to predict the effect of missense changes on protein structure and function (PolyPhen-2) suggests that this variant is likely to be tolerated. In summary, the available evidence is currently insufficient to determine the role of this variant in disease. Therefore, it has been classified as a Variant of Uncertain Significance.

Ambry Genetics
Classification: Uncertain significance. Last evaluated: 2023-11-14. Review status: criteria provided, single submitter. Criteria: Ambry Variant Classification Scheme 2023. Collection method: clinical testing. Allele origin: germline.